The following is an entry in ClinVar:

ClinVar aggregate classification (germline): Conflicting classifications of pathogenicity. Review status: criteria provided, conflicting classifications (1 of 4 stars). 3 submissions from 3 submitters: Uncertain significance (1); Likely benign (2). Last evaluated 2025-02-01.

Allele frequency attached by ClinVar (database versions not stated): 1000 Genomes Project 0.00120; 1000 Genomes Project 30x 0.00203; TOPMed 0.00265; gnomAD 0.00286; ESP Exome Variant Server 0.00287.
gnomAD v4.1: 857 of 1,613,660 alleles (0.053%); highest among the groups gnomAD compares: African/African-American, 0.87%; 3 homozygotes.

Submissions (3):

CeGaT Center for Human Genetics Tuebingen
Classification: Likely benign. Last evaluated: 2025-02-01. Review status: criteria provided, single submitter. Criteria: CeGaT Center For Human Genetics Tuebingen Variant Classification Criteria Version 2. Collection method: clinical testing. Allele origin: germline. Affected: yes. Observed: 1 variant allele.
Comment: ZNF407: BP4, BS2

Labcorp Genetics (formerly Invitae), Labcorp
Classification: Likely benign. Last evaluated: 2018-06-06. Review status: criteria provided, single submitter. Criteria: Invitae Variant Classification Sherloc (09022015). Collection method: clinical testing. Allele origin: germline.

Genetic Services Laboratory, University of Chicago
Classification: Uncertain significance. Last evaluated: 2017-01-18. Review status: criteria provided, single submitter. Criteria: ACMG Guidelines, 2015. Collection method: clinical testing. Allele origin: germline. Affected: no.

NM_017757.3(ZNF407):c.1991G>T (p.Ser664Ile)

Gene: ZNF407 (zinc finger protein 407; plus strand). Cytogenetic location: 18q22.3.
Variant type: single nucleotide variant.
Coding change: c.1991G>T on transcript NM_017757.3 (MANE Select); coding-DNA position 1991, G replaced by T.
Protein change: p.Ser664Ile; replaces serine 664 with isoleucine.
Molecular consequence: missense variant.
Genome position (GRCh38, 1-based): chr18:74,633,010, G>T. VCF-style: chr18-74633010-G-T. GRCh37 (hg19) VCF-style: chr18-72344966-G-T.
Other names: c.1991G>T, p.Ser664Ile (NM_001146189.1, NM_001146190.1, NM_001384475.1); short protein forms S664I.
Identifiers: ClinVar variation 437373 (VCV000437373.22), dbSNP rs149806516, ClinGen allele CA9000455.